The following is an entry in ClinVar:

ClinVar aggregate classification (germline): Uncertain significance (1 of 4 stars; one submission).

Conditions:
Combined oxidative phosphorylation deficiency. Identifiers: MedGen C4540031, MONDO:0000732.
Charcot-Marie-Tooth Neuropathy X. Identifiers: MedGen CN118851.

Submission:

Labcorp Genetics (formerly Invitae), Labcorp
Classification: Uncertain significance for Charcot-Marie-Tooth Neuropathy X; Combined oxidative phosphorylation deficiency. Last evaluated: 2023-08-30. Review status: criteria provided, single submitter. Criteria: Invitae Variant Classification Sherloc (09022015). Collection method: clinical testing. Allele origin: germline.
Comment: Advanced modeling of protein sequence and biophysical properties (such as structural, functional, and spatial information, amino acid conservation, physicochemical variation, residue mobility, and thermodynamic stability) has been performed at Invitae for this missense variant, however the output from this modeling did not meet the statistical confidence thresholds required to predict the impact of this variant on AIFM1 protein function. In summary, the available evidence is currently insufficient to determine the role of this variant in disease. Therefore, it has been classified as a Variant of Uncertain Significance. This variant has not been reported in the literature in individuals affected with AIFM1-related conditions. This variant is not present in population databases (gnomAD no frequency). This sequence change replaces arginine, which is basic and polar, with proline, which is neutral and non-polar, at codon 26 of the AIFM1 protein (p.Arg26Pro).

NM_004208.4(AIFM1):c.77G>C (p.Arg26Pro)

Genes: AIFM1 (apoptosis inducing factor mitochondria associated 1; minus strand), RAB33A (RAB33A, member RAS oncogene family; plus strand), LOC130068679 (ATAC-STARR-seq lymphoblastoid active region 29939; plus strand). Cytogenetic location: Xq26.1.
Variant type: single nucleotide variant.
Coding change: c.77G>C on transcript NM_004208.4 (MANE Select); coding-DNA position 77, G replaced by C.
Protein change: p.Arg26Pro; replaces arginine 26 with proline.
Molecular consequence: missense variant. On other transcripts: non-coding transcript variant (1).
Genome position (GRCh38, 1-based): chrX:130,165,580, C>G on the plus strand (G>C on the coding strand, the complement: AIFM1 is on the minus strand). VCF-style: chrX-130165580-C-G. GRCh37 (hg19) VCF-style: chrX-129299554-C-G.
Other names: c.77G>C, p.Arg26Pro (NM_001130847.4, NM_145812.3); short protein forms R26P.
Identifiers: ClinVar variation 2951460 (VCV002951460.3), dbSNP rs2523191396, ClinGen allele CA414565011.